The following is an entry in ClinVar:

ClinVar aggregate classification (germline): Uncertain significance. Review status: criteria provided, multiple submitters, no conflicts (2 of 4 stars). 2 submissions from 2 submitters: Uncertain significance (2). Last evaluated 2021-07-29.

Conditions:
Hereditary nonpolyposis colorectal neoplasms. Identifiers: MedGen C0009405, MeSH D003123.
Hereditary cancer-predisposing syndrome. Also called: Hereditary neoplastic syndrome; Tumor predisposition; Neoplastic Syndromes, Hereditary; Hereditary Cancer Syndrome. Identifiers: Orphanet 140162, MedGen C0027672, MeSH D009386, MONDO:0015356.

Submissions (2):

Ambry Genetics
Classification: Uncertain significance for Hereditary cancer-predisposing syndrome. Last evaluated: 2021-07-29. Review status: criteria provided, single submitter. Criteria: Ambry Variant Classification Scheme 2023. Collection method: clinical testing. Allele origin: germline.
Comment: The p.E1322G variant (also known as c.3965A>G), located in coding exon 9 of the MSH6 gene, results from an A to G substitution at nucleotide position 3965. The glutamic acid at codon 1322 is replaced by glycine, an amino acid with similar properties. This amino acid position is well conserved in available vertebrate species. In addition, this alteration is predicted to be deleterious by in silico analysis. Since supporting evidence is limited at this time, the clinical significance of this alteration remains unclear.

Labcorp Genetics (formerly Invitae), Labcorp
Classification: Uncertain significance for Hereditary nonpolyposis colorectal neoplasms. Last evaluated: 2020-03-11. Review status: criteria provided, single submitter. Criteria: Invitae Variant Classification Sherloc (09022015). Collection method: clinical testing. Allele origin: germline.
Comment: This sequence change replaces glutamic acid with glycine at codon 1322 of the MSH6 protein (p.Glu1322Gly). The glutamic acid residue is moderately conserved and there is a moderate physicochemical difference between glutamic acid and glycine. This variant is not present in population databases (ExAC no frequency). This variant has not been reported in the literature in individuals with MSH6-related disease. Algorithms developed to predict the effect of missense changes on protein structure and function are either unavailable or do not agree on the potential impact of this missense change (SIFT: "Deleterious"; PolyPhen-2: "Probably Damaging"; Align-GVGD: "Class C0"). In summary, the available evidence is currently insufficient to determine the role of this variant in disease. Therefore, it has been classified as a Variant of Uncertain Significance.

NM_000179.3(MSH6):c.3965A>G (p.Glu1322Gly)

Gene: MSH6 (mutS homolog 6; plus strand). Cytogenetic location: 2p16.3.
Variant type: single nucleotide variant.
Coding change: c.3965A>G on transcript NM_000179.3 (MANE Select); coding-DNA position 3965, A replaced by G.
Protein change: p.Glu1322Gly; replaces glutamic acid 1322 with glycine.
Molecular consequence: missense variant.
Genome position (GRCh38, 1-based): chr2:47,806,615, A>G. VCF-style: chr2-47806615-A-G. GRCh37 (hg19) VCF-style: chr2-48033754-A-G.
Other names: c.3575A>G, p.Glu1192Gly (NM_001281492.2); c.3059A>G, p.Glu1020Gly (NM_001281493.2, NM_001281494.2); short protein forms E1020G, E1322G, E1192G.
Identifiers: ClinVar variation 656388 (VCV000656388.11), dbSNP rs763608368, ClinGen allele CA346761551.